The following is an entry in ClinVar:

ClinVar aggregate classification (germline): Likely benign (1 of 4 stars; one submission).

Conditions:
Malignant hyperthermia, susceptibility to, 1 (MHS1). Also called: Anesthesia related hyperthermia; Malignant hyperpyrexia; Fulminating hyperpyrexia; Pharmacogenic myopathy; RYR1-Related Malignant Hyperthermia Susceptibility; Malignant hyperthermia suceptibility 1. Identifiers: Orphanet 423, MedGen C2930980, MONDO:0007783, OMIM 145600.

Allele frequency attached by ClinVar (database versions not stated): gnomAD exomes below 0.00001; TOPMed below 0.00001; gnomAD 0.00001.
gnomAD v4.1: 2 of 1,612,502 alleles (0.00012%); highest among the groups gnomAD compares: East Asian, 0.0045%; no homozygotes.

Submission:

All of Us Research Program, National Institutes of Health
Classification: Likely benign for Malignant hyperthermia, susceptibility to, 1. Last evaluated: 2023-11-20. Review status: criteria provided, single submitter. Criteria: ACMG Guidelines, 2015. Collection method: clinical testing. Allele origin: germline. Inheritance: Autosomal dominant inheritance. Observed: 1 variant allele, 1 heterozygote.
Comment: This study involves interpretation of variants in research participants for the purpose of population health screening. Participant phenotype was not available at the time of variant classification. Additional details can be found in publication PMID: 35346344, PMCID: PMC8962531

NM_000540.3(RYR1):c.3557-15A>G

Gene: RYR1 (ryanodine receptor 1; plus strand). Cytogenetic location: 19q13.2.
Variant type: single nucleotide variant.
Coding change: c.3557-15A>G on transcript NM_000540.3 (MANE Select); 15 bases into the intron before coding-DNA position 3557, A replaced by G.
Molecular consequence: intron variant.
Genome position (GRCh38, 1-based): chr19:38,469,290, A>G. VCF-style: chr19-38469290-A-G. GRCh37 (hg19) VCF-style: chr19-38959930-A-G.
Other names: c.3557-15A>G (NM_001042723.2).
Identifiers: ClinVar variation 3074485 (VCV003074485.1), dbSNP rs1421593107, ClinGen allele CA882052093.